The following is an entry in ClinVar:

NM_002430.3(MN1):c.487G>T (p.Glu163Ter)

Gene: MN1 (MN1 proto-oncogene, transcriptional regulator; minus strand). Cytogenetic location: 22q12.1.
Variant type: single nucleotide variant.
Coding change: c.487G>T on transcript NM_002430.3 (MANE Select); coding-DNA position 487, G replaced by T.
Protein change: p.Glu163Ter; replaces glutamic acid 163 with a stop codon.
Molecular consequence: nonsense.
Genome position (GRCh38, 1-based): chr22:27,800,057, C>A on the plus strand (G>T on the coding strand, the complement: MN1 is on the minus strand). VCF-style: chr22-27800057-C-A. GRCh37 (hg19) VCF-style: chr22-28196045-C-A.
Other names: short protein forms E163*.
Identifiers: ClinVar variation 2572438 (VCV002572438.1), dbSNP rs891364169, ClinGen allele CA411051197.

ClinVar aggregate classification (germline): Likely pathogenic (1 of 4 stars; one submission).

Conditions:
CEBALID syndrome (CEBALID). Also called: CRANIOFACIAL DEFECTS, DYSMORPHIC EARS, STRUCTURAL BRAIN ABNORMALITIES, EXPRESSIVE LANGUAGE DELAY, AND IMPAIRED INTELLECTUAL DEVELOPMENT; MN1 C-TERMINAL TRUNCATION SYNDROME. Identifiers: Orphanet 693549, MedGen C5394044, MONDO:0032908, OMIM 618774.

Submission:

3billion
Classification: Likely pathogenic for CEBALID syndrome. Review status: criteria provided, single submitter. Criteria: ACMG Guidelines, 2015. Collection method: clinical testing. Allele origin: unknown. Affected: yes. Observed: 1 heterozygote.
Comment: The variant is not observed in the gnomAD v2.1.1 dataset. The variant is predicted to result in a loss or disruption of normal protein function through nonsense-mediated decay (NMD) or protein truncation. Multiple pathogenic variants are reported downstream of the variant. Therefore, this variant is classified as Likely pathogenic according to the recommendation of ACMG/AMP guideline.